The following is an entry in ClinVar:

NM_058216.3(RAD51C):c.626A>T (p.Tyr209Phe)

Genes: RAD51C (RAD51 paralog C; plus strand), LOC129390903 (MPRA-validated peak2919 silencer; plus strand). Cytogenetic location: 17q22.
Variant type: single nucleotide variant.
Coding change: c.626A>T on transcript NM_058216.3 (MANE Select); coding-DNA position 626, A replaced by T.
Protein change: p.Tyr209Phe; replaces tyrosine 209 with phenylalanine.
Molecular consequence: missense variant. On other transcripts: non-coding transcript variant (1).
Genome position (GRCh38, 1-based): chr17:58,703,250, A>T. VCF-style: chr17-58703250-A-T. GRCh37 (hg19) VCF-style: chr17-56780611-A-T.
Other names: short protein forms Y209F.
Identifiers: ClinVar variation 1379240 (VCV001379240.6), dbSNP rs1017384420, ClinGen allele CA400349440.

ClinVar aggregate classification (germline): Uncertain significance (1 of 4 stars; one submission).

Conditions:
Fanconi anemia complementation group O. Also called: RAD51C-Related Fanconi Anemia. Identifiers: Orphanet 84, MedGen C3150653, MONDO:0013248, OMIM 613390.

Submission:

Labcorp Genetics (formerly Invitae), Labcorp
Classification: Uncertain significance for Fanconi anemia complementation group O. Last evaluated: 2023-02-10. Review status: criteria provided, single submitter. Criteria: Invitae Variant Classification Sherloc (09022015). Collection method: clinical testing. Allele origin: germline.
Comment: This sequence change replaces tyrosine, which is neutral and polar, with phenylalanine, which is neutral and non-polar, at codon 209 of the RAD51C protein (p.Tyr209Phe). This variant is not present in population databases (gnomAD no frequency). This variant has not been reported in the literature in individuals affected with RAD51C-related conditions. ClinVar contains an entry for this variant (Variation ID: 1379240). Advanced modeling of protein sequence and biophysical properties (such as structural, functional, and spatial information, amino acid conservation, physicochemical variation, residue mobility, and thermodynamic stability) performed at Invitae indicates that this missense variant is not expected to disrupt RAD51C protein function. Algorithms developed to predict the effect of sequence changes on RNA splicing suggest that this variant may create or strengthen a splice site. In summary, the available evidence is currently insufficient to determine the role of this variant in disease. Therefore, it has been classified as a Variant of Uncertain Significance.